The following is an entry in ClinVar:

ClinVar aggregate classification (germline): Conflicting classifications of pathogenicity. Review status: criteria provided, conflicting classifications (1 of 4 stars). 3 submissions from 3 submitters: Uncertain significance (1); Benign (1). 1 of the submissions does not count toward it. Last evaluated 2024-12-16.

Conditions:
Rubinstein-Taybi syndrome (RSTS). Identifiers: Orphanet 783, MedGen C0035934, MONDO:0019188.
CREBBP-related disorder. Also called: CREBBP-related condition; CREBBP-related disorders.
Rubinstein-Taybi syndrome due to CREBBP mutations (RSTS1). Also called: RUBINSTEIN SYNDROME; Rubinstein-Taybi syndrome 1; BROAD THUMBS AND GREAT TOES, CHARACTERISTIC FACIES, AND IMPAIRED INTELLECTUAL DEVELOPMENT; RUBINSTEIN-TAYBI SYNDROME 1, INCOMPLETE; BROAD THUMB-HALLUX SYNDROME; CREBBP-Related Rubinstein-Taybi Syndrome. Identifiers: Orphanet 353277, Orphanet 783, MedGen C4551859, MONDO:0008393, OMIM 180849.
Menke-Hennekam syndrome 1 (MKHK1). Identifiers: MedGen C5193034, MONDO:0020763, OMIM 618332.

Allele frequency attached by ClinVar (database versions not stated): gnomAD exomes 0.00001; ExAC 0.00002; gnomAD 0.00008; TOPMed 0.00010; ESP Exome Variant Server 0.00015; 1000 Genomes Project 30x 0.00016; 1000 Genomes Project 0.00020.
gnomAD v4.1: 22 of 1,605,416 alleles (0.0014%); highest among the groups gnomAD compares: African/African-American, 0.021%; no homozygotes.

Submissions (3):

Labcorp Genetics (formerly Invitae), Labcorp
Classification: Benign for Rubinstein-Taybi syndrome. Last evaluated: 2024-12-16. Review status: criteria provided, single submitter. Criteria: Invitae Variant Classification Sherloc (09022015). Collection method: clinical testing. Allele origin: germline.

Fulgent Genetics
Classification: Uncertain significance for Rubinstein-Taybi syndrome due to CREBBP mutations; Menke-Hennekam syndrome 1. Last evaluated: 2023-12-20. Review status: criteria provided, single submitter. Criteria: ACMG Guidelines, 2015. Collection method: clinical testing. Allele origin: germline.

PreventionGenetics, part of Exact Sciences
Classification: Likely benign for CREBBP-related condition. Last evaluated: 2024-01-22. Review status: no assertion criteria provided. Collection method: clinical testing. Allele origin: germline. Not counted in ClinVar's aggregate classification.
Comment: This variant is classified as likely benign based on ACMG/AMP sequence variant interpretation guidelines (Richards et al. 2015 PMID: 25741868, with internal and published modifications).

NM_004380.3(CREBBP):c.5264G>A (p.Ser1755Asn)

Gene: CREBBP (CREB binding lysine acetyltransferase; minus strand). Cytogenetic location: 16p13.3.
Variant type: single nucleotide variant.
Coding change: c.5264G>A on transcript NM_004380.3 (MANE Select); coding-DNA position 5264, G replaced by A.
Protein change: p.Ser1755Asn; replaces serine 1755 with asparagine.
Molecular consequence: missense variant.
Genome position (GRCh38, 1-based): chr16:3,729,783, C>T on the plus strand (G>A on the coding strand, the complement: CREBBP is on the minus strand). VCF-style: chr16-3729783-C-T. GRCh37 (hg19) VCF-style: chr16-3779784-C-T.
Other names: c.5264G>A (NM_004380.2); c.5150G>A, p.Ser1717Asn (NM_001079846.1); short protein forms S1717N, S1755N.
Identifiers: ClinVar variation 2143309 (VCV002143309.8), dbSNP rs141069312, ClinGen allele CA7869302.